The following is an entry in ClinVar:

NM_001244008.2(KIF1A):c.803G>T (p.Gly268Val)

Gene: KIF1A (kinesin family member 1A; minus strand). Cytogenetic location: 2q37.3.
Variant type: single nucleotide variant.
Coding change: c.803G>T on transcript NM_001244008.2 (MANE Select); coding-DNA position 803, G replaced by T.
Protein change: p.Gly268Val; replaces glycine 268 with valine.
Molecular consequence: missense variant.
Genome position (GRCh38, 1-based): chr2:240,783,105, C>A on the plus strand (G>T on the coding strand, the complement: KIF1A is on the minus strand). VCF-style: chr2-240783105-C-A. GRCh37 (hg19) VCF-style: chr2-241722522-C-A.
Other names: c.803G>T, p.Gly268Val (NM_001379641.1, NM_001379642.1, NM_001379645.1 and 20 more transcripts); short protein forms G268V.
Identifiers: ClinVar variation 4293830 (VCV004293830.1).

ClinVar aggregate classification (germline): Likely pathogenic (1 of 4 stars; one submission).

Conditions:
Intellectual disability, autosomal dominant 9 (NESCAVS). Also called: NESCAV SYNDROME; KIF1A-Related Neurodevelopmental Disorder. Identifiers: Orphanet 662367, MedGen C5393830, MONDO:0013656, OMIM 614255.

Submission:

3billion
Classification: Likely pathogenic for Intellectual disability, autosomal dominant 9. Last evaluated: 2025-01-08. Review status: criteria provided, single submitter. Criteria: ACMG Guidelines, 2015. Collection method: clinical testing. Allele origin: germline. Affected: yes.
Comment: The variant is not observed in the gnomAD v4.1.0 dataset. Predicted Consequence/Location: The variant is located in a mutational hot spot and/or well-established functional domain in which established pathogenic variants have been reported. In silico tool predictions suggest damaging effect of the variant on gene or gene product [REVEL: 0.90 (>=0.6, sensitivity 0.68 and specificity 0.92); 3Cnet: 0.99 (>=0.6, sensitivity 0.72 and precision 0.9)]. Different missense changes at the same codon (p.Gly268Arg, p.Gly268Glu) have been reported as pathogenic/likely pathogenic with strong evidence (ClinVar ID: VCV000373113, VCV000801918). Therefore, this variant is classified as Likely pathogenic according to the recommendation of ACMG/AMP guideline.